The following is an entry in ClinVar:

ClinVar aggregate classification (germline): Benign. Review status: criteria provided, multiple submitters, no conflicts (2 of 4 stars). 2 submissions from 2 submitters: Benign (2). Last evaluated 2018-01-13.

Conditions:
Isolated focal non-epidermolytic palmoplantar keratoderma. Also called: Palmoplantar keratoderma, nonepidermolytic, focal 2. Identifiers: Orphanet 448264, MedGen C4225339, MONDO:0014622, OMIM 616400.

Allele frequency attached by ClinVar (database versions not stated): TOPMed 0.03517; gnomAD 0.03645 and 0.03723; 1000 Genomes Project 0.01957; 1000 Genomes Project 30x 0.02202.

Submissions (2):

Illumina Laboratory Services, Illumina
Classification: Benign for Isolated focal non-epidermolytic palmoplantar keratoderma. Last evaluated: 2018-01-13. Review status: criteria provided, single submitter. Criteria: ICSL Variant Classification Criteria 13 December 2019. Collection method: clinical testing. Allele origin: germline.
Comment: This variant was observed in the ICSL laboratory as part of a predisposition screen in an ostensibly healthy population. It had not been previously curated by ICSL or reported in the Human Gene Mutation Database (HGMD: prior to June 1st, 2018), and was therefore a candidate for classification through an automated scoring system. Utilizing variant allele frequency, disease prevalence and penetrance estimates, and inheritance mode, an automated score was calculated to assess if this variant is too frequent to cause the disease. Based on the score and internal cut-off values, a variant classified as benign is not then subjected to further curation. The score for this variant resulted in a classification of benign for this disease.

Breakthrough Genomics
Classification: Benign. Review status: criteria provided, single submitter. Criteria: ACMG Guidelines, 2015. Collection method: not provided. Allele origin: germline. Inheritance: Autosomal dominant inheritance. Affected: yes.

NM_145068.4(TRPV3):c.*1790G>C

Genes: SPATA22 (spermatogenesis associated 22; minus strand), TRPV3 (transient receptor potential cation channel subfamily V member 3; minus strand). Cytogenetic location: 17p13.2.
Variant type: single nucleotide variant.
Coding change: c.*1790G>C on transcript NM_145068.4 (MANE Select); 1790 bases downstream of the stop codon, G replaced by C.
Molecular consequence: 3 prime UTR variant. On other transcripts: intron variant (2).
Genome position (GRCh38, 1-based): chr17:3,512,127, C>G on the plus strand (G>C on the coding strand, the complement: TRPV3 is on the minus strand). VCF-style: chr17-3512127-C-G. GRCh37 (hg19) VCF-style: chr17-3415421-C-G.
Other names: c.*1790G>C (NM_001258205.2); c.-74+1285G>C (NM_001321336.2, NM_001321337.2).
Identifiers: ClinVar variation 322710 (VCV000322710.8), dbSNP rs76456640, ClinGen allele CA10649886.